The following is an entry in ClinVar:

NM_000260.4(MYO7A):c.5480+1G>A

Gene: MYO7A (myosin VIIA; plus strand). Cytogenetic location: 11q13.5.
Variant type: single nucleotide variant.
Coding change: c.5480+1G>A on transcript NM_000260.4 (MANE Select); the canonical splice donor site of the intron after coding-DNA position 5480, G replaced by A.
Molecular consequence: splice donor variant.
Genome position (GRCh38, 1-based): chr11:77,204,230, G>A. VCF-style: chr11-77204230-G-A. GRCh37 (hg19) VCF-style: chr11-76915275-G-A.
Other names: c.5333+1G>A (NM_001369365.1); c.5366+1G>A (NM_001127180.2).
Identifiers: ClinVar variation 1480516 (VCV001480516.6), dbSNP rs749236379, ClinGen allele CA6198714.
Genomic context (GRCh38, chr11:77,204,230, plus strand): 5'-GCCCCTGAAGGACGAGGCATATGTGCAGATCCTGAAGCAGCTGACCGACAACCACATCAG[G>A]TGAGCCAGGCACAGTGGGCGGATGAGGGGCAGACCTCACCTGCTGTGACGGGCAGCTCTT-3'

ClinVar aggregate classification (germline): Likely pathogenic (1 of 4 stars; one submission).

Allele frequency attached by ClinVar (database versions not stated): gnomAD exomes below 0.00001 and 0.00001; ExAC 0.00006.
gnomAD v4.1: 4 of 1,569,414 alleles (0.00025%); highest among the groups gnomAD compares: South Asian, 0.0035%; no homozygotes.

Submission:

Labcorp Genetics (formerly Invitae), Labcorp
Classification: Likely pathogenic. Last evaluated: 2021-08-26. Review status: criteria provided, single submitter. Criteria: Invitae Variant Classification Sherloc (09022015). Collection method: clinical testing. Allele origin: germline.
Comment: This sequence change affects a donor splice site in intron 39 of the MYO7A gene. It is expected to disrupt RNA splicing. Variants that disrupt the donor or acceptor splice site typically lead to a loss of protein function (PMID: 16199547), and loss-of-function variants in MYO7A are known to be pathogenic (PMID: 8900236, 25404053). This variant is present in population databases (rs749236379, ExAC 0.02%). Disruption of this splice site has been observed in individual(s) with Usher syndrome (PMID: 18181211). This variant is also known as c.5366+1G>A. Algorithms developed to predict the effect of sequence changes on RNA splicing suggest that this variant may disrupt the consensus splice site. In summary, the currently available evidence indicates that the variant is pathogenic, but additional data are needed to prove that conclusively. Therefore, this variant has been classified as Likely Pathogenic.

Literature cited by the submitters: PubMed 16199547; PubMed 8900236; PubMed 25404053; PubMed 18181211.